The following is an entry in ClinVar:

ClinVar aggregate classification (germline): Uncertain significance (1 of 4 stars; one submission).

Conditions:
Familial cancer of breast. Also called: Hereditary breast cancer; hereditary breast carcinoma; BREAST CANCER, FAMILIAL. Identifiers: Orphanet 227535, MedGen C0346153, MONDO:0016419, OMIM 114480. Disease mechanism: loss of function.

Submission:

Labcorp Genetics (formerly Invitae), Labcorp
Classification: Uncertain significance for Familial cancer of breast. Last evaluated: 2020-04-27. Review status: criteria provided, single submitter. Criteria: Invitae Variant Classification Sherloc (09022015). Collection method: clinical testing. Allele origin: germline.
Comment: In summary, the available evidence is currently insufficient to determine the role of this variant in disease. Therefore, it has been classified as a Variant of Uncertain Significance. This sequence change replaces methionine with leucine at codon 1067 of the PALB2 protein (p.Met1067Leu). The methionine residue is moderately conserved and there is a small physicochemical difference between methionine and leucine. This variant is not present in population databases (ExAC no frequency). This variant has not been reported in the literature in individuals with PALB2-related conditions. Algorithms developed to predict the effect of missense changes on protein structure and function (SIFT, PolyPhen-2, Align-GVGD) all suggest that this variant is likely to be tolerated, but these predictions have not been confirmed by published functional studies and their clinical significance is uncertain.

NM_024675.4(PALB2):c.3199A>C (p.Met1067Leu)

Gene: PALB2 (partner and localizer of BRCA2; minus strand). Cytogenetic location: 16p12.2.
Variant type: single nucleotide variant.
Coding change: c.3199A>C on transcript NM_024675.4 (MANE Select); coding-DNA position 3199, A replaced by C.
Protein change: p.Met1067Leu; replaces methionine 1067 with leucine.
Molecular consequence: missense variant.
Genome position (GRCh38, 1-based): chr16:23,614,006, T>G on the plus strand (A>C on the coding strand, the complement: PALB2 is on the minus strand). VCF-style: chr16-23614006-T-G. GRCh37 (hg19) VCF-style: chr16-23625327-T-G.
Other names: short protein forms M1067L.
Identifiers: ClinVar variation 998559 (VCV000998559.10), dbSNP rs1966634088, ClinGen allele CA395141105.